The following is an entry in ClinVar:

ClinVar aggregate classification (germline): Uncertain significance (1 of 4 stars; one submission).

Submission:

Labcorp Genetics (formerly Invitae), Labcorp
Classification: Uncertain significance. Last evaluated: 2026-01-13. Review status: criteria provided, single submitter. Criteria: Invitae Variant Classification Sherloc (09022015). Collection method: clinical testing. Allele origin: germline.
Comment: This sequence change replaces aspartic acid, which is acidic and polar, with valine, which is neutral and non-polar, at codon 475 of the KMT2A protein (p.Asp475Val). This variant is not present in population databases (gnomAD no frequency). This variant has not been reported in the literature in individuals affected with KMT2A-related conditions. Invitae Evidence Modeling of protein sequence and biophysical properties (such as structural, functional, and spatial information, amino acid conservation, physicochemical variation, residue mobility, and thermodynamic stability) has been performed for this missense variant. However, the output from this modeling did not meet the statistical confidence thresholds required to predict the impact of this variant on KMT2A protein function. In summary, the available evidence is currently insufficient to determine the role of this variant in disease. Therefore, it has been classified as a Variant of Uncertain Significance.

NM_001197104.2(KMT2A):c.1424A>T (p.Asp475Val)

Gene: KMT2A (lysine methyltransferase 2A; plus strand). Cytogenetic location: 11q23.3.
Variant type: single nucleotide variant.
Coding change: c.1424A>T on transcript NM_001197104.2 (MANE Select); coding-DNA position 1424, A replaced by T.
Protein change: p.Asp475Val; replaces aspartic acid 475 with valine.
Molecular consequence: missense variant.
Genome position (GRCh38, 1-based): chr11:118,472,583, A>T. VCF-style: chr11-118472583-A-T. GRCh37 (hg19) VCF-style: chr11-118343298-A-T.
Other names: c.1523A>T, p.Asp508Val (NM_001412597.1); c.1424A>T, p.Asp475Val (NM_005933.4); short protein forms D475V, D508V.
Identifiers: ClinVar variation 4772731 (VCV004772731.1).